The following is an entry in ClinVar:

NM_007294.4(BRCA1):c.1949dup (p.Lys652fs)

Gene: BRCA1 (BRCA1 DNA repair associated; minus strand). Cytogenetic location: 17q21.31.
Variant type: Duplication.
Coding change: c.1949dup on transcript NM_007294.4 (MANE Select); coding-DNA position 1949, one base duplicated (T; older notation c.1949dupT).
Protein change: p.Lys652fs; shifts the reading frame from lysine 652.
Molecular consequence: frameshift variant. On other transcripts: intron variant (137).
Genome position (GRCh38, 1-based): chr17:43,093,582, A duplicated on the plus strand (T on the coding strand, the reverse complement: BRCA1 is on the minus strand). VCF-style (leftmost placement, unchanged base first): chr17-43093581-T-TA. GRCh37 (hg19) VCF-style: chr17-41245598-T-TA.
Other names: c.1949dupT (NM_007294.3); c.1826dup, p.Lys611fs (NM_001407678.1, NM_001407679.1, NM_001407680.1 and 19 more transcripts); c.1949dup, p.Lys652fs (NM_001407684.1, NM_001407581.1, NM_001407582.1 and 30 more transcripts); c.1823dup, p.Lys610fs (NM_001407685.1, NM_001407686.1, NM_001407687.1 and 11 more transcripts); c.1808dup, p.Lys605fs (NM_001407692.1, NM_001407694.1, NM_001407695.1 and 29 more transcripts); c.1805dup, p.Lys604fs (NM_001407740.1, NM_001407741.1, NM_001407742.1 and 20 more transcripts); c.1736dup, p.Lys581fs (NM_001407571.1, NM_001407853.1, NM_001407894.1 and 9 more transcripts); c.1946dup, p.Lys651fs (NM_001407587.1, NM_001407860.1, NM_001407590.1 and 22 more transcripts); and 41 more; short protein forms K605fs, K652fs, K541fs, K581fs, K524fs, K540fs, K563fs, K564fs.
Identifiers: ClinVar variation 409311 (VCV000409311.10), dbSNP rs879255480, ClinGen allele CA16615679.

ClinVar aggregate classification (germline): Pathogenic. Review status: reviewed by expert panel (3 of 4 stars). 2 submissions from 2 submitters: Pathogenic (1). 1 of the submissions does not count toward it. Last evaluated 2017-12-15.

Conditions:
Breast-ovarian cancer, familial, susceptibility to, 1 (BROVCA1). Also called: BRCA1 Hereditary Breast and Ovarian Cancer; OVARIAN CANCER, SUSCEPTIBILITY TO. Identifiers: Orphanet 145, MedGen C2676676, MONDO:0011450, OMIM 604370. Disease mechanism: loss of function.
Hereditary breast ovarian cancer syndrome. Also called: Hereditary breast and ovarian cancer syndrome; Breast and ovarian cancer; Hereditary breast and ovarian cancer syndrome (HBOC); Hereditary breast and/or ovarian cancer syndrome; BRCA1- and BRCA2-Associated Hereditary Breast and Ovarian Cancer; Hereditary breast and ovarian cancer. Identifiers: Orphanet 145, MedGen C0677776, MeSH D061325, MONDO:0003582. Disease mechanism: loss of function.

Submissions (2):

Evidence-based Network for the Interpretation of Germline Mutant Alleles (ENIGMA)
Classification: Pathogenic for Breast-ovarian cancer, familial, susceptibility to, 1. Last evaluated: 2017-12-15. Review status: reviewed by expert panel. Criteria: ENIGMA BRCA1/2 Classification Criteria (2017-06-29). Collection method: curation. Allele origin: germline. Study: ENIGMA.
Comment: Variant allele predicted to encode a truncated non-functional protein.

Labcorp Genetics (formerly Invitae), Labcorp
Classification: Pathogenic for Hereditary breast ovarian cancer syndrome. Last evaluated: 2016-05-31. Review status: criteria provided, single submitter. Criteria: Invitae Variant Classification Sherloc (09022015). Collection method: clinical testing. Allele origin: germline. Not counted in ClinVar's aggregate classification.
Comment: This sequence change inserts 1 nucleotide in exon 10 of the BRCA1 mRNA (c.1949dupT), causing a frameshift at codon 652. This creates a premature translational stop signal (p.Lys652Glufs*21) and is expected to result in an absent or disrupted protein product. While this particular variant has not been reported in the literature, truncating variants in BRCA1 are known to be pathogenic (PMID: 20104584). Additionally, different frameshift mutations (c.1953dupG, c.1950_1953delAAAG, c.1952dupA) producing the same premature translational stop signal, have been reported in the literature in individuals affected with breast cancer (PMID: 25452441, 25682074) For these reasons, this variant has been classified as Pathogenic.

Literature cited by the submitters: PubMed 20104584 (cited by Labcorp Genetics (formerly Invitae), Labcorp); PubMed 25452441 (cited by Labcorp Genetics (formerly Invitae), Labcorp); PubMed 25682074 (cited by Labcorp Genetics (formerly Invitae), Labcorp).